The following is an entry in ClinVar:

ClinVar aggregate classification (germline): Conflicting classifications of pathogenicity. Review status: criteria provided, conflicting classifications (1 of 4 stars). 6 submissions from 6 submitters: Uncertain significance (3); Benign (1); Likely benign (2). Last evaluated 2026-05-18.

Conditions:
Hereditary cancer-predisposing syndrome. Also called: Neoplastic Syndromes, Hereditary; Hereditary Cancer Syndrome; Tumor predisposition; Hereditary neoplastic syndrome. Identifiers: Orphanet 140162, MedGen C0027672, MeSH D009386, MONDO:0015356.
Neurofibromatosis, type 1 (NF1). Also called: VON RECKLINGHAUSEN DISEASE; Peripheral type neurofibromatosis; NEUROFIBROMATOSIS, TYPE I, SOMATIC; Neurofibromatosis, type I. Identifiers: Orphanet 636, MedGen C0027831, MONDO:0018975, OMIM 162200. Disease mechanism: loss of function.

Allele frequency attached by ClinVar (database versions not stated): gnomAD 0.00001; gnomAD exomes 0.00001; TOPMed 0.00001.
gnomAD v4.1: 5 of 1,611,772 alleles (0.00031%); highest among the groups gnomAD compares: Non-Finnish European, 0.00042%; no homozygotes.

Submissions (6):

Myriad Genetics, Inc.
Classification: Benign for Neurofibromatosis, type 1. Last evaluated: 2026-05-18. Review status: criteria provided, single submitter. Criteria: Myriad Autosomal Dominant, Autosomal Recessive and X-Linked Classification Criteria (2023). Collection method: clinical testing. Allele origin: unknown.
Comment: This variant is considered benign. This variant is a silent/synonymous amino acid change and it is not expected to impact splicing.

Labcorp Genetics (formerly Invitae), Labcorp
Classification: Likely benign for Neurofibromatosis, type 1. Last evaluated: 2026-01-08. Review status: criteria provided, single submitter. Criteria: Invitae Variant Classification Sherloc (09022015). Collection method: clinical testing. Allele origin: germline.

CeGaT Center for Human Genetics Tuebingen
Classification: Uncertain significance. Last evaluated: 2025-10-01. Review status: criteria provided, single submitter. Criteria: CeGaT Center For Human Genetics Tuebingen Variant Classification Criteria Version 2. Collection method: clinical testing. Allele origin: germline. Affected: yes. Observed: 1 variant allele.
Comment: NF1: PM2:Supporting, BP4

Quest Diagnostics Nichols Institute San Juan Capistrano
Classification: Uncertain significance. Last evaluated: 2025-08-18. Review status: criteria provided, single submitter. Criteria: Quest Diagnostics criteria. Collection method: clinical testing. Allele origin: unknown.

GeneDx
Classification: Uncertain significance. Last evaluated: 2020-02-07. Review status: criteria provided, single submitter. Criteria: GeneDx Variant Classification Process June 2021. Collection method: clinical testing. Allele origin: germline. Affected: yes.
Comment: Not observed in large population cohorts (Lek et al., 2016); In silico analysis supports that this variant does not alter splicing; Has not been previously published as pathogenic or benign to our knowledge

Ambry Genetics
Classification: Likely benign for Hereditary cancer-predisposing syndrome. Last evaluated: 2015-05-31. Review status: criteria provided, single submitter. Criteria: Ambry Autosomal Dominant and X-Linked criteria (10/2015). Collection method: clinical testing. Allele origin: germline. Observed: 1 variant allele.

NM_001042492.3(NF1):c.2517C>T (p.Asn839=)

Gene: NF1 (neurofibromin 1; plus strand). Cytogenetic location: 17q11.2.
Variant type: single nucleotide variant.
Coding change: c.2517C>T on transcript NM_001042492.3 (MANE Select); coding-DNA position 2517, C replaced by T.
Protein change: p.Asn839=; no amino-acid change (asparagine 839 retained).
Molecular consequence: synonymous variant.
Genome position (GRCh38, 1-based): chr17:31,229,132, C>T. VCF-style: chr17-31229132-C-T. GRCh37 (hg19) VCF-style: chr17-29556150-C-T.
Other names: c.2517C>T, p.Asn839= (NM_000267.4).
Identifiers: ClinVar variation 232083 (VCV000232083.21), dbSNP rs876659543, ClinGen allele CA10580256.